The following is an entry in ClinVar:

ClinVar aggregate classification (germline): Uncertain significance. Review status: criteria provided, multiple submitters, no conflicts (2 of 4 stars). 4 submissions from 4 submitters: Uncertain significance (4). Last evaluated 2026-01-26.

Conditions:
Pulmonary fibrosis and/or bone marrow failure, Telomere-related, 3. Also called: PULMONARY FIBROSIS AND/OR BONE MARROW FAILURE SYNDROME, TELOMERE-RELATED, 3. Identifiers: Orphanet 2032, MedGen C4225346, MONDO:0014613, OMIM 616373.
Dyskeratosis congenita, autosomal recessive 5 (DKCB5). Identifiers: MedGen C3554656, MONDO:0014076, OMIM 615190.
Dyskeratosis congenita. Identifiers: Orphanet 1775, MedGen C0265965, MONDO:0015780.
Inborn genetic diseases. Identifiers: MedGen C0950123, MeSH D030342.
RTEL1-related disorder. Also called: RTEL1-related condition; RTEL1-related disorders.

Allele frequency attached by ClinVar (database versions not stated): ExAC 0.00001; gnomAD exomes 0.00003.
gnomAD v4.1: 38 of 1,612,162 alleles (0.0024%); highest among the groups gnomAD compares: Non-Finnish European, 0.0031%; no homozygotes.

Submissions (4):

Labcorp Genetics (formerly Invitae), Labcorp
Classification: Uncertain significance for Dyskeratosis congenita, autosomal recessive 5; Pulmonary fibrosis and/or bone marrow failure, Telomere-related, 3. Last evaluated: 2026-01-26. Review status: criteria provided, single submitter. Criteria: Invitae Variant Classification Sherloc (09022015). Collection method: clinical testing. Allele origin: germline.
Comment: This sequence change replaces threonine, which is neutral and polar, with serine, which is neutral and polar, at codon 1007 of the RTEL1 protein (p.Thr1007Ser). This variant is present in population databases (rs776712596, gnomAD 0.007%). This missense change has been observed in individual(s) with clinical features of common variable immunodeficiency (PMID: 37944684). ClinVar contains an entry for this variant (Variation ID: 1692626). An algorithm developed to predict the effect of missense changes on protein structure and function (PolyPhen-2) suggests that this variant is likely to be disruptive. In summary, the available evidence is currently insufficient to determine the role of this variant in disease. Therefore, it has been classified as a Variant of Uncertain Significance.

PreventionGenetics, part of Exact Sciences
Classification: Uncertain significance for RTEL1-related condition. Last evaluated: 2025-10-24. Review status: criteria provided, single submitter. Criteria: ACMG Guidelines, 2015. Collection method: clinical testing. Allele origin: germline.
Comment: The RTEL1 c.3092C>G variant is predicted to result in the amino acid substitution p.Thr1031Ser. This variant has been reported in the heterozygous state in a cohort study regarding telomere biology disorders may manifest as common variable immunodeficiency (CVID) (Described as p.Thr1007Ser, supplementary data, Rolles et al. 2023. PubMed ID: 37944684). This variant is reported in 0.0073% of alleles in individuals of European (Non-Finnish) descent in gnomAD. At this time, the clinical significance of this variant is uncertain due to the absence of conclusive functional and genetic evidence.

Ambry Genetics
Classification: Uncertain significance for Inborn genetic diseases. Last evaluated: 2024-11-26. Review status: criteria provided, single submitter. Criteria: Ambry Variant Classification Scheme 2023. Collection method: clinical testing. Allele origin: germline.
Comment: The p.T1007S variant (also known as c.3020C>G), located in coding exon 30 of the RTEL1 gene, results from a C to G substitution at nucleotide position 3020. The threonine at codon 1007 is replaced by serine, an amino acid with similar properties. This amino acid position is conserved. In addition, the in silico prediction for this alteration is inconclusive. Based on the available evidence, the clinical significance of this variant remains unclear.

Sema4
Classification: Uncertain significance for Dyskeratosis congenita. Last evaluated: 2022-01-15. Review status: criteria provided, single submitter. Criteria: Sema4 Curation Guidelines. Collection method: curation. Allele origin: germline.
Comment: The RTEL1 c.3020C>G (p.T1007S) variant has not been reported in the literature to our knowledge. It was observed in 8/109814 chromosomes of the Non-Finnish European subpopulation in the large and broad cohorts of the Genome Aggregation Database (PMID: 32461654). The variant has not been reported in ClinVar. Functional studies have not been performed, and in silico predictions of the variant's effect on protein function are inconclusive. The evidence is insufficient to meet ACMG/AMP criteria for classifying the variant as benign or pathogenic. Thus, the clinical significance of this variant is currently uncertain.

Literature cited by the submitters: PubMed 37944684 (cited by Labcorp Genetics (formerly Invitae), Labcorp).

NM_001283009.2(RTEL1):c.3020C>G (p.Thr1007Ser)

Genes: RTEL1 (regulator of telomere elongation helicase 1; plus strand), RTEL1-TNFRSF6B (RTEL1-TNFRSF6B readthrough (NMD candidate); plus strand). Cytogenetic location: 20q13.33.
Variant type: single nucleotide variant.
Coding change: c.3020C>G on transcript NM_001283009.2 (MANE Select); coding-DNA position 3020, C replaced by G.
Protein change: p.Thr1007Ser; replaces threonine 1007 with serine.
Molecular consequence: missense variant. On other transcripts: non-coding transcript variant (1).
Genome position (GRCh38, 1-based): chr20:63,694,399, C>G. VCF-style: chr20-63694399-C-G. GRCh37 (hg19) VCF-style: chr20-62325752-C-G.
Other names: c.3092C>G (NM_032957.4); c.2351C>G, p.Thr784Ser (NM_001283010.1); c.3020C>G, p.Thr1007Ser (NM_016434.4); c.3092C>G, p.Thr1031Ser (NM_032957.5); short protein forms T1007S, T1031S, T784S.
Identifiers: ClinVar variation 1692626 (VCV001692626.8), dbSNP rs776712596, ClinGen allele CA9965800.